The following is an entry in ClinVar:

NM_015627.3(LDLRAP1):c.88+5G>A

Genes: LDLRAP1 (low density lipoprotein receptor adaptor protein 1; plus strand), LOC129929773 (ATAC-STARR-seq lymphoblastoid silent region 456; plus strand). Cytogenetic location: 1p36.11.
Variant type: single nucleotide variant.
Coding change: c.88+5G>A on transcript NM_015627.3 (MANE Select); 5 bases into the intron after coding-DNA position 88, G replaced by A.
Molecular consequence: intron variant.
Genome position (GRCh38, 1-based): chr1:25,543,791, G>A. VCF-style: chr1-25543791-G-A. GRCh37 (hg19) VCF-style: chr1-25870282-G-A.
Identifiers: ClinVar variation 1496826 (VCV001496826.3), dbSNP rs1048978247, ClinGen allele CA19669517.

ClinVar aggregate classification (germline): Uncertain significance (1 of 4 stars; one submission).

Conditions:
Hypercholesterolemia, familial, 4 (FHCL4). Also called: HYPERCHOLESTEROLEMIA, AUTOSOMAL RECESSIVE, 1; HYPERCHOLESTEROLEMIA, AUTOSOMAL RECESSIVE, 2. Identifiers: Orphanet 391665, MedGen C1863512, MONDO:0011374, OMIM 603813.

Submission:

Labcorp Genetics (formerly Invitae), Labcorp
Classification: Uncertain significance for Hypercholesterolemia, familial, 4. Last evaluated: 2021-07-05. Review status: criteria provided, single submitter. Criteria: Invitae Variant Classification Sherloc (09022015). Collection method: clinical testing. Allele origin: germline.
Comment: This sequence change falls in intron 1 of the LDLRAP1 gene. It does not directly change the encoded amino acid sequence of the LDLRAP1 protein. It affects a nucleotide within the consensus splice site of the intron. The frequency data for this variant in the population databases is considered unreliable, as metrics indicate insufficient coverage at this position in the ExAC database. This variant has not been reported in the literature in individuals affected with LDLRAP1-related conditions. Nucleotide substitutions within the consensus splice site are a relatively common cause of aberrant splicing (PMID: 17576681, 9536098). Algorithms developed to predict the effect of sequence changes on RNA splicing suggest that this variant may disrupt the consensus splice site. In summary, the available evidence is currently insufficient to determine the role of this variant in disease. Therefore, it has been classified as a Variant of Uncertain Significance.

Literature cited by the submitters: PubMed 17576681; PubMed 9536098.